The following is an entry in ClinVar:

NM_001005242.3(PKP2):c.2168-9A>C

Gene: PKP2 (plakophilin 2; minus strand). Cytogenetic location: 12p11.21.
Variant type: single nucleotide variant.
Coding change: c.2168-9A>C on transcript NM_001005242.3 (MANE Select); 9 bases into the intron before coding-DNA position 2168, A replaced by C.
Molecular consequence: intron variant.
Genome position (GRCh38, 1-based): chr12:32,796,307, T>G on the plus strand (A>C on the coding strand, the complement: PKP2 is on the minus strand). VCF-style: chr12-32796307-T-G. GRCh37 (hg19) VCF-style: chr12-32949241-T-G.
Other names: c.2003-9A>C (NM_001407156.1); c.2168-3576A>C (NM_001407155.1); c.2300-9A>C (NM_004572.4, NM_004572.3); c.1841-3576A>C (NM_001407160.1); c.1841-9A>C (NM_001407159.1, NM_001407158.1).
Identifiers: ClinVar variation 4724437 (VCV004724437.2).

ClinVar aggregate classification (germline): Likely benign. Review status: criteria provided, multiple submitters, no conflicts (2 of 4 stars). 2 submissions from 2 submitters: Likely benign (2). Last evaluated 2025-09-19.

Conditions:
PKP2-related disorder. Also called: PKP2-related condition.
Arrhythmogenic right ventricular dysplasia 9 (ARVD9). Also called: Arrhythmogenic Right Ventricular Dysplasia/Cardiomyopathy 9; ARRHYTHMOGENIC RIGHT VENTRICULAR DYSPLASIA, FAMILIAL, 9. Identifiers: MedGen C1836906, MONDO:0012180, OMIM 609040.

Submissions (2):

Labcorp Genetics (formerly Invitae), Labcorp
Classification: Likely benign for Arrhythmogenic right ventricular dysplasia 9. Last evaluated: 2025-09-19. Review status: criteria provided, single submitter. Criteria: Invitae Variant Classification Sherloc (09022015). Collection method: clinical testing. Allele origin: germline.

PreventionGenetics, part of Exact Sciences
Classification: Likely benign for PKP2-related condition. Last evaluated: 2024-12-01. Review status: criteria provided, single submitter. Criteria: ACMG Guidelines, 2015. Collection method: clinical testing. Allele origin: germline.
Comment: This variant is classified as likely benign based on ACMG/AMP sequence variant interpretation guidelines (Richards et al. 2015 PMID: 25741868, with internal and published modifications).